The following is an entry in ClinVar:

ClinVar aggregate classification (germline): Likely benign. Review status: criteria provided, multiple submitters, no conflicts (2 of 4 stars). 4 submissions from 4 submitters: Likely benign (3). 1 of the submissions does not count toward it. Last evaluated 2025-10-07.

Conditions:
Inborn genetic diseases. Identifiers: MedGen C0950123, MeSH D030342.
WT1-related disorder. Also called: WT1-related disorders. Identifiers: MedGen CN377814.
Frasier syndrome. Identifiers: Orphanet 347, MedGen C0950122, MeSH D052159, MONDO:0007635, OMIM 136680.
Wilms tumor 1 (WT1). Also called: Wilms tumor, somatic. Identifiers: Orphanet 654, MedGen CN033288, MONDO:0008679, OMIM 194070.
11p partial monosomy syndrome (WAGR). Also called: CHROMOSOME 11p13 DELETION SYNDROME; WAGR Spectrum Disorder; WAGR syndrome; WAGR Complex. Identifiers: Orphanet 893, MedGen C0206115, MONDO:0008681, OMIM 194072.
Drash syndrome (DDS). Also called: NEPHROPATHY, WILMS TUMOR, AND GENITAL ANOMALIES; WILMS TUMOR AND PSEUDO- OR TRUE HERMAPHRODITISM. Identifiers: Orphanet 220, MedGen C0950121, MONDO:0008682, OMIM 194080.

Allele frequency attached by ClinVar (database versions not stated): TOPMed 0.00003; ExAC 0.00004; gnomAD 0.00005; gnomAD exomes 0.00005 and 0.00023.
gnomAD v4.1: 334 of 1,612,832 alleles (0.021%); highest among the groups gnomAD compares: Non-Finnish European, 0.027%; no homozygotes.

Submissions (4):

Labcorp Genetics (formerly Invitae), Labcorp
Classification: Likely benign for Wilms tumor 1; Drash syndrome; 11p partial monosomy syndrome; Frasier syndrome. Last evaluated: 2025-10-07. Review status: criteria provided, single submitter. Criteria: Invitae Variant Classification Sherloc (09022015). Collection method: clinical testing. Allele origin: germline.

Ambry Genetics
Classification: Likely benign for Inborn genetic diseases. Last evaluated: 2024-08-21. Review status: criteria provided, single submitter. Criteria: Ambry Variant Classification Scheme 2023. Collection method: clinical testing. Allele origin: germline.

Blueprint Genetics
Classification: Likely benign. Last evaluated: 2020-11-11. Review status: criteria provided, single submitter. Criteria: ACMG Guidelines, 2015. Collection method: clinical testing. Allele origin: germline.

PreventionGenetics, part of Exact Sciences
Classification: Likely benign for WT1-related condition. Last evaluated: 2022-12-19. Review status: no assertion criteria provided. Collection method: clinical testing. Allele origin: germline. Not counted in ClinVar's aggregate classification.
Comment: This variant is classified as likely benign based on ACMG/AMP sequence variant interpretation guidelines (Richards et al. 2015 PMID: 25741868, with internal and published modifications).

NM_024426.6(WT1):c.615C>G (p.Pro205=)

Genes: WT1 (WT1 transcription factor; minus strand), LOC107982234 (WT1/WT1-AS bi-directional promoter region; plus strand). Cytogenetic location: 11p13.
Variant type: single nucleotide variant.
Coding change: c.615C>G on transcript NM_024426.6 (MANE Select); coding-DNA position 615, C replaced by G.
Protein change: p.Pro205=; no amino-acid change (proline 205 retained).
Molecular consequence: synonymous variant. On other transcripts: non-coding transcript variant (1).
Genome position (GRCh38, 1-based): chr11:32,434,746, G>C on the plus strand (C>G on the coding strand, the complement: WT1 is on the minus strand). VCF-style: chr11-32434746-G-C. GRCh37 (hg19) VCF-style: chr11-32456292-G-C.
Other names: c.615C>G, p.Pro205= (NM_000378.6, NM_024424.5).
Identifiers: ClinVar variation 406686 (VCV000406686.16), dbSNP rs769467940, ClinGen allele CA065119.